The following is an entry in ClinVar:

NM_020975.6(RET):c.3339T>G (p.Asp1113Glu)

Gene: RET (ret proto-oncogene; plus strand). Cytogenetic location: 10q11.21.
Variant type: single nucleotide variant.
Coding change: c.3339T>G on transcript NM_020975.6 (MANE Select); coding-DNA position 3339, T replaced by G.
Protein change: p.Asp1113Glu; replaces aspartic acid 1113 with glutamic acid.
Molecular consequence: missense variant. On other transcripts: 3 prime UTR variant (18), intron variant (3).
Genome position (GRCh38, 1-based): chr10:43,128,263, T>G. VCF-style: chr10-43128263-T-G. GRCh37 (hg19) VCF-style: chr10-43623711-T-G.
Other names: c.*1509T>G (NM_001355216.2, NM_001406764.1, NM_001406765.1 and 15 more transcripts); c.3339T>G, p.Asp1113Glu (NM_001406743.1); c.3279T>G, p.Asp1093Glu (NM_001406759.1, NM_001406760.1); c.3210T>G, p.Asp1070Glu (NM_001406761.1, NM_001406762.1); c.3204T>G, p.Asp1068Glu (NM_001406763.1); c.3051T>G, p.Asp1017Glu (NM_001406766.1, NM_001406767.1); c.2943T>G, p.Asp981Glu (NM_001406769.1); c.2901T>G, p.Asp967Glu (NM_001406771.1); and 10 more; short protein forms D1017E, D1068E, D981E, D1113E, D814E, D871E, D1070E, D1093E.
Identifiers: ClinVar variation 3944712 (VCV003944712.1).

ClinVar aggregate classification (germline): Uncertain significance (1 of 4 stars; one submission).

Conditions:
Hereditary cancer-predisposing syndrome. Also called: Tumor predisposition; Hereditary neoplastic syndrome; Hereditary Cancer Syndrome; Neoplastic Syndromes, Hereditary. Identifiers: Orphanet 140162, MedGen C0027672, MeSH D009386, MONDO:0015356.

Submission:

Ambry Genetics
Classification: Uncertain significance for Hereditary cancer-predisposing syndrome. Last evaluated: 2025-05-31. Review status: criteria provided, single submitter. Criteria: Ambry Variant Classification Scheme 2023. Collection method: clinical testing. Allele origin: germline.
Comment: The p.D1113E variant (also known as c.3339T>G), located in coding exon 20 of the RET gene, results from a T to G substitution at nucleotide position 3339. The aspartic acid at codon 1113 is replaced by glutamic acid, an amino acid with highly similar properties. This amino acid position is conserved. In addition, the in silico prediction for this alteration is inconclusive. Based on the available evidence, the clinical significance of this variant remains unclear.